The following is an entry in ClinVar:

ClinVar aggregate classification (germline): Uncertain significance (1 of 4 stars; one submission).

Submission:

Labcorp Genetics (formerly Invitae), Labcorp
Classification: Uncertain significance. Last evaluated: 2024-05-29. Review status: criteria provided, single submitter. Criteria: Invitae Variant Classification Sherloc (09022015). Collection method: clinical testing. Allele origin: germline.
Comment: This sequence change replaces leucine, which is neutral and non-polar, with valine, which is neutral and non-polar, at codon 2741 of the VCAN protein (p.Leu2741Val). This variant is not present in population databases (gnomAD no frequency). This variant has not been reported in the literature in individuals affected with VCAN-related conditions. An algorithm developed to predict the effect of missense changes on protein structure and function (PolyPhen-2) suggests that this variant is likely to be tolerated. In summary, the available evidence is currently insufficient to determine the role of this variant in disease. Therefore, it has been classified as a Variant of Uncertain Significance.

NM_004385.5(VCAN):c.8221T>G (p.Leu2741Val)

Genes: VCAN (versican; plus strand), VCAN-AS1 (VCAN antisense RNA 1; minus strand). Cytogenetic location: 5q14.3.
Variant type: single nucleotide variant.
Coding change: c.8221T>G on transcript NM_004385.5 (MANE Select); coding-DNA position 8221, T replaced by G.
Protein change: p.Leu2741Val; replaces leucine 2741 with valine.
Molecular consequence: missense variant. On other transcripts: intron variant (2).
Genome position (GRCh38, 1-based): chr5:83,541,224, T>G. VCF-style: chr5-83541224-T-G. GRCh37 (hg19) VCF-style: chr5-82837043-T-G.
Other names: c.5260T>G, p.Leu1754Val (NM_001164097.2); c.4004-4313T>G (NM_001164098.2); c.1043-4313T>G (NM_001126336.3); short protein forms L1754V, L2741V.
Identifiers: ClinVar variation 3672145 (VCV003672145.2).